The following is an entry in ClinVar:

ClinVar aggregate classification (germline): Conflicting classifications of pathogenicity. Review status: criteria provided, conflicting classifications (1 of 4 stars). 6 submissions from 6 submitters: Uncertain significance (4); Likely benign (2). Last evaluated 2025-09-10.

Conditions:
Inborn genetic diseases. Identifiers: MedGen C0950123, MeSH D030342.
COCH-related disorder. Also called: COCH-related condition.

Allele frequency attached by ClinVar (database versions not stated): gnomAD 0.00002; TOPMed 0.00007; ESP Exome Variant Server 0.00008.
gnomAD v4.1: 29 of 1,614,050 alleles (0.0018%); highest among the groups gnomAD compares: Admixed American, 0.03%; no homozygotes.

Submissions (6):

PreventionGenetics, part of Exact Sciences
Classification: Uncertain significance for COCH-related condition. Last evaluated: 2025-09-10. Review status: criteria provided, single submitter. Criteria: ACMG Guidelines, 2015. Collection method: clinical testing. Allele origin: germline.
Comment: The COCH c.118G>A variant is predicted to result in the amino acid substitution p.Asp40Asn. To our knowledge, this variant has not been reported in the literature. This variant is reported in 0.054% of alleles in individuals of Latino descent in gnomAD. Although we suspect that this variant may be benign, at this time, the clinical significance of this variant is uncertain due to the absence of conclusive functional and genetic evidence.

Labcorp Genetics (formerly Invitae), Labcorp
Classification: Likely benign. Last evaluated: 2025-08-31. Review status: criteria provided, single submitter. Criteria: Invitae Variant Classification Sherloc (09022015). Collection method: clinical testing. Allele origin: germline.

Ambry Genetics
Classification: Uncertain significance for Inborn genetic diseases. Last evaluated: 2025-08-26. Review status: criteria provided, single submitter. Criteria: Ambry Variant Classification Scheme 2023. Collection method: clinical testing. Allele origin: germline.

Women's Health and Genetics/Laboratory Corporation of America, LabCorp
Classification: Uncertain significance. Last evaluated: 2024-07-09. Review status: criteria provided, single submitter. Criteria: LabCorp Variant Classification Summary - May 2015. Collection method: clinical testing. Allele origin: germline.
Comment: Variant summary: COCH c.118G>A (p.Asp40Asn) results in a conservative amino acid change located in the LCCL domain (IPR004043) of the encoded protein sequence. Three of five in-silico tools predict a damaging effect of the variant on protein function. The variant allele was found at a frequency of 8e-05 in 251452 control chromosomes. The occurrence in several carriers suggests that this variant is likely not associated with a high penetrance, severe, early onset disease phenotype in heterozygous state. To our knowledge, no occurrence of c.118G>A in individuals affected with Hereditary hearing loss and deafness and no experimental evidence demonstrating its impact on protein function have been reported. ClinVar contains an entry for this variant (Variation ID: 1214980). Based on the evidence outlined above, the variant was classified as uncertain significance.

Blueprint Genetics
Classification: Uncertain significance. Last evaluated: 2023-11-24. Review status: criteria provided, single submitter. Criteria: ACMG Guidelines, 2015. Collection method: clinical testing. Allele origin: germline.

GeneDx
Classification: Likely benign. Last evaluated: 2019-12-05. Review status: criteria provided, single submitter. Criteria: GeneDx Variant Classification Process June 2021. Collection method: clinical testing. Allele origin: germline. Affected: yes.

NM_004086.3(COCH):c.118G>A (p.Asp40Asn)

Genes: COCH (cochlin; plus strand), COCH-AS1 (COCH antisense RNA 1; minus strand). Cytogenetic location: 14q12.
Variant type: single nucleotide variant.
Coding change: c.118G>A on transcript NM_004086.3 (MANE Select); coding-DNA position 118, G replaced by A.
Protein change: p.Asp40Asn; replaces aspartic acid 40 with asparagine.
Molecular consequence: missense variant.
Genome position (GRCh38, 1-based): chr14:30,877,607, G>A. VCF-style: chr14-30877607-G-A. GRCh37 (hg19) VCF-style: chr14-31346813-G-A.
Other names: c.118G>A, p.Asp40Asn (NM_001135058.2); c.313G>A, p.Asp105Asn (NM_001347720.2); c.118G>A (NM_001135058.1); short protein forms D105N, D40N.
Identifiers: ClinVar variation 1214980 (VCV001214980.8), dbSNP rs143098658, ClinGen allele CA7142934.